The following is an entry in ClinVar:

NM_001377229.1(DISP1):c.431C>G (p.Ser144Cys)

Gene: DISP1 (dispatched RND transporter family member 1; plus strand). Cytogenetic location: 1q41.
Variant type: single nucleotide variant.
Coding change: c.431C>G on transcript NM_001377229.1 (MANE Select); coding-DNA position 431, C replaced by G.
Protein change: p.Ser144Cys; replaces serine 144 with cysteine.
Molecular consequence: missense variant. On other transcripts: 5 prime UTR variant (1).
Genome position (GRCh38, 1-based): chr1:222,943,254, C>G. VCF-style: chr1-222943254-C-G. GRCh37 (hg19) VCF-style: chr1-223116596-C-G.
Other names: c.-457C>G (NM_001350630.2); c.431C>G, p.Ser144Cys (NM_001369594.1, NM_001377228.1, NM_032890.5); short protein forms S144C.
Identifiers: ClinVar variation 3390848 (VCV003390848.2).
Genomic context (GRCh38, chr1:222,943,254, plus strand): 5'-CTGCATCTCTTTGTCCAAATCATTCACCTGTGTATCAGACTACGTGCTGTCTTCAGCCCT[C>G]TCCATCCTTCTGCCTGCATCATCCGTGGCCTGACCATTTTCAGCATCAGCCTGTGCAACA-3'
Protein context (NP_001364158.1, residues 134-154): VYQTTCCLQP[Ser144Cys]PSFCLHHPWP

ClinVar aggregate classification (germline): Likely pathogenic (1 of 4 stars; one submission).

Submission:

Medical Genetics, Taibah University College of Applied Medical Sciences
Classification: Likely pathogenic. Review status: criteria provided, single submitter. Criteria: ACMG Guidelines, 2015. Collection method: research. Allele origin: germline. Inheritance: Autosomal recessive inheritance. Affected: yes. Observed: 1 homozygote.
Comment: In vitro functional studies indicate that the p.Ser144Cys resulted in the addition of a sulfur-containing residue and abnormal protein function (PMID: 38529886).

Literature cited by the submitters: PubMed 38529886.